The following is an entry in ClinVar:

ClinVar aggregate classification (germline): Likely pathogenic. Review status: criteria provided, multiple submitters, no conflicts (2 of 4 stars). 4 submissions from 4 submitters: Likely pathogenic (4). Last evaluated 2025-06-15.

Conditions:
Fatal mitochondrial disease due to combined oxidative phosphorylation defect type 3. Also called: ENCEPHALOMYOPATHY, RESPIRATORY FAILURE, AND LACTIC ACIDOSIS; Combined oxidative phosphorylation deficiency 3. Identifiers: Orphanet 168566, MedGen C1864840, MONDO:0012512, OMIM 610505.

Allele frequency attached by ClinVar (database versions not stated): gnomAD exomes below 0.00001 and 0.00001; gnomAD 0.00001 and 0.00002; TOPMed 0.00002; 1000 Genomes Project 30x 0.00016.

Submissions (4):

Natera, Inc.
Classification: Likely pathogenic for Combined oxidative phosphorylation deficiency 3. Last evaluated: 2025-06-15. Review status: criteria provided, single submitter. Criteria: Natera Variant Classification Schema (03/2026). Collection method: clinical testing. Allele origin: germline.
Comment: The c.971_972delAG variant in TSFM is a frameshift variant predicted to shift the reading frame beginning at codon 324 and leads to a stop codon 11 codons downstream. This variant is expected to result in nonsense mediated decay, truncation, or a dysfunctional protein product. This variant is rare in the general population with a frequency below the threshold expected for the associated phenotype(s). Given the available evidence, this variant is classified as Likely Pathogenic.

Labcorp Genetics (formerly Invitae), Labcorp
Classification: Likely pathogenic. Last evaluated: 2023-11-09. Review status: criteria provided, single submitter. Criteria: Invitae Variant Classification Sherloc (09022015). Collection method: clinical testing. Allele origin: germline.
Comment: This sequence change creates a premature translational stop signal (p.Gln324Argfs*11) in the TSFM gene. While this is not anticipated to result in nonsense mediated decay, it is expected to disrupt the last 23 amino acid(s) of the TSFM protein. This variant is not present in population databases (gnomAD no frequency). This variant has not been reported in the literature in individuals affected with TSFM-related conditions. ClinVar contains an entry for this variant (Variation ID: 852530). This variant disrupts a region of the TSFM protein in which other variant(s) (p.Arg333Trp) have been determined to be pathogenic (PMID: 17033963, 20435138, 21741925, 22277967). This suggests that this is a clinically significant region of the protein, and that variants that disrupt it are likely to be disease-causing. In summary, the currently available evidence indicates that the variant is pathogenic, but additional data are needed to prove that conclusively. Therefore, this variant has been classified as Likely Pathogenic.

Women's Health and Genetics/Laboratory Corporation of America, LabCorp
Classification: Likely pathogenic for Fatal mitochondrial disease due to combined oxidative phosphorylation defect type 3. Last evaluated: 2022-12-22. Review status: criteria provided, single submitter. Criteria: LabCorp Variant Classification Summary - May 2015. Collection method: clinical testing. Allele origin: germline.
Comment: Variant summary: TSFM c.971_972delAG (p.Gln324ArgfsX11) results in a premature termination codon, not expected to cause nonsense mediated decay (NMD), but is predicted remove a part of the 346 amino acid long protein. No truncations downstream of this position have been reported in affected individuals (HGMD). The variant allele was found at a frequency of 5.3e-06 in 189366 control chromosomes (gnomAD). c.971_972delAG has not been reported in the literature in individuals affected with Fatal Mitochondrial Disease Due To Combined Oxidative Phosphorylation Defect Type 3. However, a missense variant downstream from our variant has been reported in affected individuals (HGMD), and in an in vitro functional study an equivalent amino acid change was demonstrated to result in decreased protein interaction (PMID 20435138), therefore it can be predicted that the loss of the protein region containing this residue would result in a similar functional effect. Two clinical diagnostic laboratories have submitted clinical-significance assessments for this variant to ClinVar after 2014, and both of them classified the variant as likely pathogenic. Based on the evidence outlined above, the variant was classified as likely pathogenic.

Fulgent Genetics
Classification: Likely pathogenic for Fatal mitochondrial disease due to combined oxidative phosphorylation defect type 3. Last evaluated: 2021-11-05. Review status: criteria provided, single submitter. Criteria: ACMG Guidelines, 2015. Collection method: clinical testing. Allele origin: unknown.

Literature cited by the submitters: PubMed 17033963 (cited by Labcorp Genetics (formerly Invitae), Labcorp); PubMed 20435138 (cited by Labcorp Genetics (formerly Invitae), Labcorp); PubMed 21741925 (cited by Labcorp Genetics (formerly Invitae), Labcorp); PubMed 22277967 (cited by Labcorp Genetics (formerly Invitae), Labcorp); PubMed 28074886 (cited by Women's Health and Genetics/Laboratory Corporation of America, LabCorp).

NM_005726.6(TSFM):c.908_909del (p.Gln303fs)

Gene: TSFM (Ts translation elongation factor, mitochondrial; plus strand). Cytogenetic location: 12q14.1.
Variant type: Deletion.
Coding change: c.908_909del on transcript NM_005726.6 (MANE Select); coding-DNA positions 908 to 909, 2 bases deleted (AG; older notation c.908_909delAG).
Protein change: p.Gln303fs; shifts the reading frame from glutamine 303.
Molecular consequence: frameshift variant. On other transcripts: 3 prime UTR variant (1), intron variant (1).
Genome position (GRCh38, 1-based): chr12:57,796,513-57,796,514, AG deleted. VCF-style (leftmost placement, unchanged base first): chr12-57796512-CAG-C. GRCh37 (hg19) VCF-style: chr12-58190295-CAG-C.
Other names: c.971_972delAG (NM_001172696.1); c.*316_*317del (NM_001172695.2); c.971_972del, p.Gln324fs (NM_001172696.2); c.571+3440_571+3441del (NM_001172697.2); short protein forms Q324fs, Q303fs.
Identifiers: ClinVar variation 852530 (VCV000852530.15), dbSNP rs1491203033, ClinGen allele CA690328692.